The following is an entry in ClinVar:

ClinVar aggregate classification (germline): Benign/Likely benign. Review status: criteria provided, multiple submitters, no conflicts (2 of 4 stars). 3 submissions from 3 submitters: Benign (1); Likely benign (2). Last evaluated 2025-09-05.

Allele frequency attached by ClinVar (database versions not stated): TOPMed 0.00006; ESP Exome Variant Server 0.00008; 1000 Genomes Project 30x 0.00016; 1000 Genomes Project 0.00020; gnomAD exomes 0.00040 and 0.00087; gnomAD 0.00069 and 0.00073; ExAC 0.00088.
gnomAD v4.1: 703 of 1,609,444 alleles (0.044%); highest among the groups gnomAD compares: Non-Finnish European, 0.012%; 3 homozygotes.

Submissions (3):

Labcorp Genetics (formerly Invitae), Labcorp
Classification: Benign. Last evaluated: 2025-09-05. Review status: criteria provided, single submitter. Criteria: Invitae Variant Classification Sherloc (09022015). Collection method: clinical testing. Allele origin: germline.

Blueprint Genetics
Classification: Likely benign. Last evaluated: 2024-09-23. Review status: criteria provided, single submitter. Criteria: ACMG Guidelines, 2015. Collection method: clinical testing. Allele origin: germline.

GeneDx
Classification: Likely benign. Last evaluated: 2016-09-08. Review status: criteria provided, single submitter. Criteria: GeneDx Variant Classification (06012015). Collection method: clinical testing. Allele origin: germline. Affected: yes.
Comment: This variant is considered likely benign or benign based on one or more of the following criteria: it is a conservative change, it occurs at a poorly conserved position in the protein, it is predicted to be benign by multiple in silico algorithms, and/or has population frequency not consistent with disease.

NM_001349.4(DARS1):c.321-19G>C

Gene: DARS1 (aspartyl-tRNA synthetase 1; minus strand). Cytogenetic location: 2q21.3.
Variant type: single nucleotide variant.
Coding change: c.321-19G>C on transcript NM_001349.4 (MANE Select); 19 bases into the intron before coding-DNA position 321, G replaced by C.
Molecular consequence: intron variant.
Genome position (GRCh38, 1-based): chr2:135,943,499, C>G on the plus strand (G>C on the coding strand, the complement: DARS1 is on the minus strand). VCF-style: chr2-135943499-C-G. GRCh37 (hg19) VCF-style: chr2-136701069-C-G.
Other names: c.21-19G>C (NM_001293312.1).
Identifiers: ClinVar variation 389018 (VCV000389018.4), dbSNP rs201046499, ClinGen allele CA1889859.